The following is an entry in ClinVar:

ClinVar aggregate classification (germline): Uncertain significance (1 of 4 stars; one submission).

Conditions:
Costello syndrome (CSTLO). Also called: FCS SYNDROME; FACIOCUTANEOSKELETAL SYNDROME; HRAS-Related Costello Syndrome. Identifiers: Orphanet 3071, MedGen C0587248, MONDO:0009026, OMIM 218040.

Submission:

Labcorp Genetics (formerly Invitae), Labcorp
Classification: Uncertain significance for Costello syndrome. Last evaluated: 2023-08-18. Review status: criteria provided, single submitter. Criteria: Invitae Variant Classification Sherloc (09022015). Collection method: clinical testing. Allele origin: germline.
Comment: ClinVar contains an entry for this variant (Variation ID: 1400189). In summary, the available evidence is currently insufficient to determine the role of this variant in disease. Therefore, it has been classified as a Variant of Uncertain Significance. This variant has not been reported in the literature in individuals affected with HRAS-related conditions. This variant results in the deletion of part of exon 2 (c.110_111+5del) of the HRAS gene. It is expected to disrupt RNA splicing. Variants that disrupt the donor or acceptor splice site typically lead to a loss of protein function (PMID: 16199547), however the current clinical and genetic evidence is not sufficient to establish whether loss-of-function variants in HRAS cause disease. This variant is present in population databases (no rsID available, gnomAD 0.0009%).

Literature cited by the submitters: PubMed 16199547.

NM_005343.4(HRAS):c.110_111+5del

Genes: HRAS (HRas proto-oncogene, GTPase; minus strand), LRRC56 (leucine rich repeat containing 56; plus strand). Cytogenetic location: 11p15.5.
Variant type: Deletion.
Coding change: c.110_111+5del on transcript NM_005343.4 (MANE Select); coding-DNA position 110 through 5 bases into the intron after coding-DNA position 111, 7 bases deleted (AGGTGAG; older notation c.110_111+5delAGGTGAG).
Molecular consequence: splice donor variant.
Genome position (GRCh38, 1-based): chr11:534,207-534,213, CTCACCT deleted on the plus strand (AGGTGAG on the coding strand, the reverse complement: HRAS is on the minus strand); deleting any 7 consecutive bases within chr11:534,207-534,215 gives the same sequence; the c. name uses the placement nearest the transcript's 3' end. VCF-style (leftmost placement, unchanged base first): chr11-534206-GCTCACCT-G. GRCh37 (hg19) VCF-style: chr11-534206-GCTCACCT-G.
Other names: c.110_111+5del (NM_001130442.3, NM_176795.5); c.-210_-209+5del (NM_001318054.2).
Identifiers: ClinVar variation 1400189 (VCV001400189.6), dbSNP rs1564790048, ClinGen allele CA597019241.
Genomic context (GRCh38, chr11:534,206, plus strand): 5'-ATCCTGGCTGTGTCCTGGGCTCGCCCGCAGCAGCTGCTGGCACCTGGACGGCGGCGCCAG[GCTCACCT>G]CTATAGTGGGGTCGTATTCGTCCACAAAATGGTTCTGGATCAGCTGGATGGTCAGCGCAC-3'